The following is an entry in ClinVar:

NM_006031.6(PCNT):c.559_636del (p.Val187_Thr212del)

Gene: PCNT (pericentrin; plus strand). Cytogenetic location: 21q22.3.
Variant type: Deletion.
Coding change: c.559_636del on transcript NM_006031.6 (MANE Select); coding-DNA positions 559 to 636, 78 bases deleted.
Protein change: p.Val187_Thr212del.
Molecular consequence: inframe deletion.
Genome position (GRCh38, 1-based): chr21:46,334,688-46,334,765, 78 bases deleted. GRCh37 (hg19): chr21:47,754,602-47,754,679.
Other names: c.205_282del, p.Val69_Thr94del (NM_001315529.2).
Identifiers: ClinVar variation 2113373 (VCV002113373.4), dbSNP rs1569163458, ClinGen allele CA638499027.

ClinVar aggregate classification (germline): Uncertain significance (1 of 4 stars; one submission).

Submission:

Labcorp Genetics (formerly Invitae), Labcorp
Classification: Uncertain significance. Last evaluated: 2022-03-17. Review status: criteria provided, single submitter. Criteria: Invitae Variant Classification Sherloc (09022015). Collection method: clinical testing. Allele origin: germline.
Comment: This variant, c.559_636del, results in the deletion of 26 amino acid(s) of the PCNT protein (p.Val187_Thr212del), but otherwise preserves the integrity of the reading frame. This variant is present in population databases (no rsID available, gnomAD 0.003%). This variant has not been reported in the literature in individuals affected with PCNT-related conditions. Experimental studies and prediction algorithms are not available or were not evaluated, and the functional significance of this variant is currently unknown. In summary, the available evidence is currently insufficient to determine the role of this variant in disease. Therefore, it has been classified as a Variant of Uncertain Significance.